The following is an entry in ClinVar:

ClinVar aggregate classification (germline): Uncertain significance. Review status: criteria provided, multiple submitters, no conflicts (2 of 4 stars). 3 submissions from 3 submitters: Uncertain significance (3). Last evaluated 2024-06-26.

Conditions:
Cardiovascular phenotype. Identifiers: MedGen CN230736.
Cardiomyopathy (CMYO). Also called: Cardiomyopathies. Identifiers: Orphanet 167848, MedGen C0878544, MONDO:0004994, HP:0001638. Inheritance: Various modes of inheritance.
Hypertrophic cardiomyopathy. Also called: HYPERTROPHIC MYOCARDIOPATHY. Identifiers: Orphanet 217569, MedGen C0007194, MeSH D002312, MONDO:0005045, HP:0001639.

Allele frequency attached by ClinVar (database versions not stated): ESP Exome Variant Server 0.00009.

Submissions (3):

Ambry Genetics
Classification: Uncertain significance for Cardiovascular phenotype. Last evaluated: 2024-06-26. Review status: criteria provided, single submitter. Criteria: Ambry Variant Classification Scheme 2023. Collection method: clinical testing. Allele origin: germline.
Comment: The p.R74S variant (also known as c.220C>A), located in coding exon 5 of the TNNI3 gene, results from a C to A substitution at nucleotide position 220. The arginine at codon 74 is replaced by serine, an amino acid with dissimilar properties. This variant was detected in a cohort of individuals with hypertrophic or restrictive cardiomypathy (HCM, RCM) where it was reportedly detected in a proband, unaffected mother, and sister with RCM; however, details were limited (Hayashi T et al. J. Hum. Genet., 2018 Sep;63:989-996). This amino acid position is well conserved in available vertebrate species. In addition, the in silico prediction for this alteration is inconclusive. Based on the available evidence, the clinical significance of this variant remains unclear.

Color Diagnostics, LLC DBA Color Health
Classification: Uncertain significance for Cardiomyopathy. Last evaluated: 2024-04-10. Review status: criteria provided, single submitter. Criteria: ACMG Guidelines, 2015. Collection method: clinical testing. Allele origin: germline.
Comment: This missense variant replaces arginine with serine at codon 74 of the TNNI3 protein. Computational prediction tools indicate that this variant's impact on protein structure and function is inconclusive. To our knowledge, functional studies have not been reported for this variant. This variant has been reported in one individual affected with restrictive cardiomyopathy (PMID: 29907873); this variant was also identified in one affected sibling and in one unaffected parent. This variant has been identified in 2/239156 chromosomes in the general population by the Genome Aggregation Database (gnomAD). The available evidence is insufficient to determine the role of this variant in disease conclusively. Therefore, this variant is classified as a Variant of Uncertain Significance.

Labcorp Genetics (formerly Invitae), Labcorp
Classification: Uncertain significance for Hypertrophic cardiomyopathy. Last evaluated: 2023-08-30. Review status: criteria provided, single submitter. Criteria: Invitae Variant Classification Sherloc (09022015). Collection method: clinical testing. Allele origin: germline.
Comment: In summary, the available evidence is currently insufficient to determine the role of this variant in disease. Therefore, it has been classified as a Variant of Uncertain Significance. An algorithm developed to predict the effect of missense changes on protein structure and function (PolyPhen-2) suggests that this variant is likely to be disruptive. ClinVar contains an entry for this variant (Variation ID: 838539). This missense change has been observed in individual(s) with hypertrophic cardiomyopathy (PMID: 15524171, 29907873). This variant is present in population databases (rs375795196, gnomAD 0.006%). This sequence change replaces arginine, which is basic and polar, with serine, which is neutral and polar, at codon 74 of the TNNI3 protein (p.Arg74Ser).

Literature cited by the submitters: PubMed 29907873 (cited by 3 submitters); PubMed 15524171 (cited by Labcorp Genetics (formerly Invitae), Labcorp).

NM_000363.5(TNNI3):c.220C>A (p.Arg74Ser)

Gene: TNNI3 (troponin I3, cardiac type; minus strand). Cytogenetic location: 19q13.42.
Variant type: single nucleotide variant.
Coding change: c.220C>A on transcript NM_000363.5 (MANE Select); coding-DNA position 220, C replaced by A.
Protein change: p.Arg74Ser; replaces arginine 74 with serine.
Molecular consequence: missense variant.
Genome position (GRCh38, 1-based): chr19:55,156,263, G>T on the plus strand (C>A on the coding strand, the complement: TNNI3 is on the minus strand). VCF-style: chr19-55156263-G-T. GRCh37 (hg19) VCF-style: chr19-55667631-G-T.
Other names: short protein forms R74S.
Identifiers: ClinVar variation 838539 (VCV000838539.14), dbSNP rs375795196, ClinGen allele CA050678.
Genomic context (GRCh38, chr19:55,156,263, plus strand): 5'-GCAGCTCCGCGAAGCCCAGCCCGGCCAACTCCAGCGGCTGGCAGCGGGTGCTCAGAGCGC[G>T]CCCCTTCTCTCCGCGCCGCTCCTCCGCCTCTCGCTCCAGCTCTTGCTTTGCAATCTGCAG-3'
Protein context (NP_000354.4, residues 64-84): EAEERRGEKG[Arg74Ser]ALSTRCQPLE